The following is an entry in ClinVar:

ClinVar aggregate classification (germline): Uncertain significance. Review status: criteria provided, multiple submitters, no conflicts (2 of 4 stars). 2 submissions from 2 submitters: Uncertain significance (2). Last evaluated 2025-05-28.

Conditions:
Familial infantile myasthenia (CMS6). Also called: Congenital myasthenic syndrome type 6; MYASTHENIC SYNDROME, PRESYNAPTIC, CONGENITAL, ASSOCIATED WITH EPISODIC APNEA; MYASTHENIC SYNDROME, CONGENITAL, 6, PRESYNAPTIC. Identifiers: Orphanet 590, MedGen C0393929, MONDO:0009689, OMIM 254210.

Allele frequency attached by ClinVar (database versions not stated): gnomAD exomes 0.00001; gnomAD 0.00003; TOPMed 0.00003.

Submissions (2):

Mayo Clinic Laboratories, Mayo Clinic
Classification: Uncertain significance. Last evaluated: 2025-05-28. Review status: criteria provided, single submitter. Criteria: ACMG Guidelines, 2015. Collection method: clinical testing. Allele origin: germline. Observed: 1 variant allele.
Comment: BP4, PM2_supporting

Labcorp Genetics (formerly Invitae), Labcorp
Classification: Uncertain significance for Familial infantile myasthenia. Last evaluated: 2021-08-27. Review status: criteria provided, single submitter. Criteria: Invitae Variant Classification Sherloc (09022015). Collection method: clinical testing. Allele origin: germline.
Comment: This sequence change replaces proline with serine at codon 61 of the CHAT protein (p.Pro61Ser). The proline residue is weakly conserved and there is a moderate physicochemical difference between proline and serine. The frequency data for this variant in the population databases is considered unreliable, as metrics indicate insufficient coverage at this position in the ExAC database. This variant has not been reported in the literature in individuals affected with CHAT-related conditions. Algorithms developed to predict the effect of missense changes on protein structure and function (SIFT, PolyPhen-2, Align-GVGD) all suggest that this variant is likely to be tolerated. In summary, the available evidence is currently insufficient to determine the role of this variant in disease. Therefore, it has been classified as a Variant of Uncertain Significance.

NM_020549.5(CHAT):c.181C>T (p.Pro61Ser)

Gene: CHAT (choline O-acetyltransferase; plus strand). Cytogenetic location: 10q11.23.
Variant type: single nucleotide variant.
Coding change: c.181C>T on transcript NM_020549.5 (MANE Select); coding-DNA position 181, C replaced by T.
Protein change: p.Pro61Ser; replaces proline 61 with serine.
Molecular consequence: missense variant. On other transcripts: 5 prime UTR variant (4), intron variant (2).
Genome position (GRCh38, 1-based): chr10:49,614,370, C>T. VCF-style: chr10-49614370-C-T. GRCh37 (hg19) VCF-style: chr10-50822416-C-T.
Other names: p.Pro61Ser; c.-174C>T (NM_001142929.2, NM_020985.4); c.-136C>T (NM_001142933.2); c.-244C>T (NM_001142934.2); c.-68-2132C>T (NM_020984.4); c.-69+1168C>T (NM_020986.4); short protein forms P61S.
Identifiers: ClinVar variation 649277 (VCV000649277.9), dbSNP rs923971969, ClinGen allele CA206622931.